The following is an entry in ClinVar:

NM_153490.3(KRT13):c.1064G>A (p.Arg355His)

Gene: KRT13 (keratin 13; minus strand). Cytogenetic location: 17q21.2.
Variant type: single nucleotide variant.
Coding change: c.1064G>A on transcript NM_153490.3 (MANE Select); coding-DNA position 1064, G replaced by A.
Protein change: p.Arg355His; replaces arginine 355 with histidine.
Molecular consequence: missense variant.
Genome position (GRCh38, 1-based): chr17:41,502,554, C>T on the plus strand (G>A on the coding strand, the complement: KRT13 is on the minus strand). VCF-style: chr17-41502554-C-T. GRCh37 (hg19) VCF-style: chr17-39658806-C-T.
Other names: c.1064G>A, p.Arg355His (NM_002274.4); short protein forms R355H.
Identifiers: ClinVar variation 3045314 (VCV003045314.2), dbSNP rs148296285, ClinGen allele CA8560523.

ClinVar aggregate classification (germline): Likely benign (0 of 4 stars; one submission).

Conditions:
KRT13-related disorder. Also called: KRT13-related condition.

Allele frequency attached by ClinVar (database versions not stated): ExAC 0.00022; gnomAD 0.00068; TOPMed 0.00081; ESP Exome Variant Server 0.00131.
gnomAD v4.1: 361 of 1,613,674 alleles (0.022%); highest among the groups gnomAD compares: African/African-American, 0.21%; no homozygotes.

Submission:

PreventionGenetics, part of Exact Sciences
Classification: Likely benign for KRT13-related condition. Last evaluated: 2019-11-07. Review status: no assertion criteria provided. Collection method: clinical testing. Allele origin: germline.
Comment: This variant is classified as likely benign based on ACMG/AMP sequence variant interpretation guidelines (Richards et al. 2015 PMID: 25741868, with internal and published modifications).